The following is an entry in ClinVar:

ClinVar aggregate classification (germline): Uncertain significance (1 of 4 stars; one submission).

Conditions:
Hereditary cancer-predisposing syndrome. Also called: Tumor predisposition; Neoplastic Syndromes, Hereditary; Hereditary Cancer Syndrome; Hereditary neoplastic syndrome. Identifiers: Orphanet 140162, MedGen C0027672, MeSH D009386, MONDO:0015356.

Submission:

Ambry Genetics
Classification: Uncertain significance for Hereditary cancer-predisposing syndrome. Last evaluated: 2019-12-09. Review status: criteria provided, single submitter. Criteria: Ambry Variant Classification Scheme 2023. Collection method: clinical testing. Allele origin: germline.
Comment: The p.G2709C variant (also known as c.8125G>T), located in coding exon 54 of the ATM gene, results from a G to T substitution at nucleotide position 8125. The glycine at codon 2709 is replaced by cysteine, an amino acid with highly dissimilar properties. This amino acid position is highly conserved in available vertebrate species. In addition, this alteration is predicted to be deleterious by in silico analysis. Since supporting evidence is limited at this time, the clinical significance of this alteration remains unclear.

NM_000051.4(ATM):c.8125G>T (p.Gly2709Cys)

Genes: ATM (ATM serine/threonine kinase; plus strand), C11orf65 (chromosome 11 open reading frame 65; minus strand). Cytogenetic location: 11q22.3.
Variant type: single nucleotide variant.
Coding change: c.8125G>T on transcript NM_000051.4 (MANE Select); coding-DNA position 8125, G replaced by T.
Protein change: p.Gly2709Cys; replaces glycine 2709 with cysteine.
Molecular consequence: missense variant. On other transcripts: intron variant (2).
Genome position (GRCh38, 1-based): chr11:108,335,083, G>T. VCF-style: chr11-108335083-G-T. GRCh37 (hg19) VCF-style: chr11-108205810-G-T.
Other names: c.8125G>T, p.Gly2709Cys (NM_001351834.2); c.641-26012C>A (NM_001330368.2); c.*38+137C>A (NM_001351110.2); short protein forms G2709C.
Identifiers: ClinVar variation 827466 (VCV000827466.6), dbSNP rs3218680, ClinGen allele CA382562176.
Genomic context (GRCh38, chr11:108,335,083, plus strand): 5'-GAATTTCGCTTAGCAGGAGGTGTAAATTTACCAAAAATAATAGATTGTGTAGGTTCCGAT[G>T]GCAAGGAGAGGAGACAGCTTGTTAAGGTGAGCCTTCCCTTCTCTGGCTTAGCCCTTAGAG-3'
Protein context (NP_000042.3, residues 2699-2719): PKIIDCVGSD[Gly2709Cys]KERRQLVKGR